The following is an entry in ClinVar:

ClinVar aggregate classification (germline): Uncertain significance (1 of 4 stars; one submission).

gnomAD v4.1: 2 of 1,610,590 alleles (0.00012%); highest among the groups gnomAD compares: Non-Finnish European, 0.00017%; no homozygotes.

Submission:

GeneDx
Classification: Uncertain significance. Last evaluated: 2025-12-08. Review status: criteria provided, single submitter. Criteria: GeneDx Variant Classification Process June 2021. Collection method: clinical testing. Allele origin: germline.
Comment: Not observed at significant frequency in large population cohorts (gnomAD); In silico analysis indicates that this missense variant does not alter protein structure/function; Has not been previously published as pathogenic or benign to our knowledge

NM_001270.4(CHD1):c.3497G>A (p.Arg1166Lys)

Gene: CHD1 (chromodomain helicase DNA binding protein 1; minus strand). Cytogenetic location: 5q15.
Variant type: single nucleotide variant.
Coding change: c.3497G>A on transcript NM_001270.4 (MANE Select); coding-DNA position 3497, G replaced by A.
Protein change: p.Arg1166Lys; replaces arginine 1166 with lysine.
Molecular consequence: missense variant. On other transcripts: non-coding transcript variant (2).
Genome position (GRCh38, 1-based): chr5:98,873,667, C>T on the plus strand (G>A on the coding strand, the complement: CHD1 is on the minus strand). VCF-style: chr5-98873667-C-T. GRCh37 (hg19) VCF-style: chr5-98209371-C-T.
Other names: c.3497G>A, p.Arg1166Lys (NM_001364113.3, NM_001376194.2); short protein forms R1166K.
Identifiers: ClinVar variation 4070881 (VCV004070881.2).